The following is an entry in ClinVar:

ClinVar aggregate classification (germline): Uncertain significance (1 of 4 stars; one submission).

Submission:

Labcorp Genetics (formerly Invitae), Labcorp
Classification: Uncertain significance. Last evaluated: 2024-10-30. Review status: criteria provided, single submitter. Criteria: Invitae Variant Classification Sherloc (09022015). Collection method: clinical testing. Allele origin: germline.
Comment: This sequence change replaces leucine, which is neutral and non-polar, with proline, which is neutral and non-polar, at codon 660 of the KIAA1161 protein (p.Leu660Pro). This variant is not present in population databases (gnomAD no frequency). This variant has not been reported in the literature in individuals affected with KIAA1161-related conditions. ClinVar contains an entry for this variant (Variation ID: 2057704). Invitae Evidence Modeling of protein sequence and biophysical properties (such as structural, functional, and spatial information, amino acid conservation, physicochemical variation, residue mobility, and thermodynamic stability) indicates that this missense variant is expected to disrupt KIAA1161 protein function with a positive predictive value of 80%. In summary, the available evidence is currently insufficient to determine the role of this variant in disease. Therefore, it has been classified as a Variant of Uncertain Significance.

NM_020702.5(MYORG):c.1979T>C (p.Leu660Pro)

Gene: MYORG (myogenesis regulating glycosidase; minus strand). Cytogenetic location: 9p13.3.
Variant type: single nucleotide variant.
Coding change: c.1979T>C on transcript NM_020702.5 (MANE Select); coding-DNA position 1979, T replaced by C.
Protein change: p.Leu660Pro; replaces leucine 660 with proline.
Molecular consequence: missense variant.
Genome position (GRCh38, 1-based): chr9:34,370,965, A>G on the plus strand (T>C on the coding strand, the complement: MYORG is on the minus strand). VCF-style: chr9-34370965-A-G. GRCh37 (hg19) VCF-style: chr9-34370963-A-G.
Other names: short protein forms L660P.
Identifiers: ClinVar variation 2057704 (VCV002057704.4), dbSNP rs1588002920, ClinGen allele CA373239543.